The following is an entry in ClinVar:

NM_182961.4(SYNE1):c.12226G>A (p.Val4076Ile)

Gene: SYNE1 (spectrin repeat containing nuclear envelope protein 1; minus strand). Cytogenetic location: 6q25.2.
Variant type: single nucleotide variant.
Coding change: c.12226G>A on transcript NM_182961.4 (MANE Select); coding-DNA position 12226, G replaced by A.
Protein change: p.Val4076Ile; replaces valine 4076 with isoleucine.
Molecular consequence: missense variant.
Genome position (GRCh38, 1-based): chr6:152,339,366, C>T on the plus strand (G>A on the coding strand, the complement: SYNE1 is on the minus strand). VCF-style: chr6-152339366-C-T. GRCh37 (hg19) VCF-style: chr6-152660501-C-T.
Other names: c.12013G>A, p.Val4005Ile (NM_033071.5); short protein forms V4005I, V4076I.
Identifiers: ClinVar variation 849009 (VCV000849009.9), dbSNP rs754971865, ClinGen allele CA4056458.

ClinVar aggregate classification (germline): Uncertain significance (1 of 4 stars; one submission).

Conditions:
Emery-Dreifuss muscular dystrophy 4, autosomal dominant (EDMD4). Also called: EMERY-DREIFUSS MUSCULAR DYSTROPHY 4 WITH VARIABLE FEATURES. Identifiers: Orphanet 261, MedGen C2751807, MONDO:0013071, OMIM 612998.
Autosomal recessive ataxia, Beauce type. Also called: ATAXIA, RECESSIVE, OF BEAUCE; SYNE1 Deficiency; Spinocerebellar ataxia, autosomal recessive 8; SYNE1-Related Autosomal Recessive Cerebellar Ataxia. Identifiers: Orphanet 88644, MedGen C1853116, MONDO:0012549, OMIM 610743.

Allele frequency attached by ClinVar (database versions not stated): ExAC 0.00002; gnomAD exomes 0.00001.
gnomAD v4.1: 3 of 1,613,556 alleles (0.00019%); highest among the groups gnomAD compares: Admixed American, 0.005%; no homozygotes.

Submission:

Labcorp Genetics (formerly Invitae), Labcorp
Classification: Uncertain significance for Emery-Dreifuss muscular dystrophy 4, autosomal dominant; Autosomal recessive ataxia, Beauce type. Last evaluated: 2022-03-09. Review status: criteria provided, single submitter. Criteria: Invitae Variant Classification Sherloc (09022015). Collection method: clinical testing. Allele origin: germline.
Comment: This variant has not been reported in the literature in individuals affected with SYNE1-related conditions. In summary, the available evidence is currently insufficient to determine the role of this variant in disease. Therefore, it has been classified as a Variant of Uncertain Significance. Algorithms developed to predict the effect of missense changes on protein structure and function (SIFT, PolyPhen-2, Align-GVGD) all suggest that this variant is likely to be disruptive. ClinVar contains an entry for this variant (Variation ID: 849009). This variant is present in population databases (rs754971865, gnomAD 0.009%). This sequence change replaces valine, which is neutral and non-polar, with isoleucine, which is neutral and non-polar, at codon 4005 of the SYNE1 protein (p.Val4005Ile).